The following is an entry in ClinVar:

NM_024857.5(ATAD5):c.39G>C (p.Pro13=)

Gene: ATAD5 (ATPase family AAA domain containing 5; plus strand). Cytogenetic location: 17q11.2.
Variant type: single nucleotide variant.
Coding change: c.39G>C on transcript NM_024857.5 (MANE Select); coding-DNA position 39, G replaced by C.
Protein change: p.Pro13=; no amino-acid change (proline 13 retained).
Molecular consequence: synonymous variant.
Genome position (GRCh38, 1-based): chr17:30,832,386, G>C. VCF-style: chr17-30832386-G-C. GRCh37 (hg19) VCF-style: chr17-29159404-G-C.
Identifiers: ClinVar variation 3059114 (VCV003059114.2), dbSNP rs999796, ClinGen allele CA8483393.

ClinVar aggregate classification (germline): Benign (0 of 4 stars; one submission).

Conditions:
ATAD5-related disorder. Also called: ATAD5-related condition.

Allele frequency attached by ClinVar (database versions not stated): gnomAD exomes 0.13237; ExAC 0.18154; gnomAD 0.23188; ESP Exome Variant Server 0.23674; TOPMed 0.24789; 1000 Genomes Project 0.28774; 1000 Genomes Project 30x 0.29497.
gnomAD v4.1: 222,447 of 1,558,698 alleles (14%); highest among the groups gnomAD compares: African/African-American, 49%; 22,406 homozygotes.

Submission:

PreventionGenetics, part of Exact Sciences
Classification: Benign for ATAD5-related condition. Last evaluated: 2019-10-18. Review status: no assertion criteria provided. Collection method: clinical testing. Allele origin: germline.
Comment: This variant is classified as benign based on ACMG/AMP sequence variant interpretation guidelines (Richards et al. 2015 PMID: 25741868, with internal and published modifications).